The following is an entry in ClinVar:

NM_004637.6(RAB7A):c.481A>G (p.Asn161Asp)

Gene: RAB7A (RAB7A, member RAS oncogene family; plus strand). Cytogenetic location: 3q21.3.
Variant type: single nucleotide variant.
Coding change: c.481A>G on transcript NM_004637.6 (MANE Select); coding-DNA position 481, A replaced by G.
Protein change: p.Asn161Asp; replaces asparagine 161 with aspartic acid.
Molecular consequence: missense variant.
Genome position (GRCh38, 1-based): chr3:128,807,624, A>G. VCF-style: chr3-128807624-A-G. GRCh37 (hg19) VCF-style: chr3-128526467-A-G.
Other names: short protein forms N161D.
Identifiers: ClinVar variation 1041821 (VCV001041821.9), dbSNP rs963894786, ClinGen allele CA82632196.

ClinVar aggregate classification (germline): Conflicting classifications of pathogenicity. Review status: criteria provided, conflicting classifications (1 of 4 stars). 2 submissions from 2 submitters: Likely pathogenic (1); Uncertain significance (1). Last evaluated 2025-02-16.

Conditions:
Charcot-Marie-Tooth disease type 2B (CMT2B). Also called: CHARCOT-MARIE-TOOTH DISEASE, AXONAL, TYPE 2B; CHARCOT-MARIE-TOOTH DISEASE, AUTOSOMAL DOMINANT, TYPE 2B; HEREDITARY MOTOR AND SENSORY NEUROPATHY IIB; Charcot-Marie-Tooth Neuropathy Type 2B. Identifiers: Orphanet 99936, MedGen C1833219, MONDO:0010949, OMIM 600882.

Allele frequency attached by ClinVar (database versions not stated): gnomAD 0.00001.
gnomAD v4.1: 1 of 1,614,100 alleles (0.000062%); highest among the groups gnomAD compares: Non-Finnish European, 0.000085%; no homozygotes.

Submissions (2):

Laboratory of Genetics, Children's Clinical University Hospital Latvia
Classification: Likely pathogenic. Last evaluated: 2025-02-16. Review status: criteria provided, single submitter. Criteria: ACMG Guidelines, 2015. Collection method: clinical testing. Allele origin: germline. Affected: yes.

Labcorp Genetics (formerly Invitae), Labcorp
Classification: Uncertain significance for Charcot-Marie-Tooth disease type 2B. Last evaluated: 2022-07-18. Review status: criteria provided, single submitter. Criteria: Invitae Variant Classification Sherloc (09022015). Collection method: clinical testing. Allele origin: germline.
Comment: This sequence change replaces asparagine, which is neutral and polar, with aspartic acid, which is acidic and polar, at codon 161 of the RAB7A protein (p.Asn161Asp). In summary, the available evidence is currently insufficient to determine the role of this variant in disease. Therefore, it has been classified as a Variant of Uncertain Significance. This variant disrupts the p.Asn161 amino acid residue in RAB7A. Other variant(s) that disrupt this residue have been determined to be pathogenic (PMID: 15455439, 18272684, 23188822, 24498653, 26791407). This suggests that this residue is clinically significant, and that variants that disrupt this residue are likely to be disease-causing. Algorithms developed to predict the effect of missense changes on protein structure and function (SIFT, PolyPhen-2, Align-GVGD) all suggest that this variant is likely to be tolerated. ClinVar contains an entry for this variant (Variation ID: 1041821). This variant has not been reported in the literature in individuals affected with RAB7A-related conditions. This variant is present in population databases (no rsID available, gnomAD 0.007%).

Literature cited by the submitters: PubMed 15455439 (cited by Labcorp Genetics (formerly Invitae), Labcorp); PubMed 18272684 (cited by Labcorp Genetics (formerly Invitae), Labcorp); PubMed 23188822 (cited by Labcorp Genetics (formerly Invitae), Labcorp); PubMed 24498653 (cited by Labcorp Genetics (formerly Invitae), Labcorp); PubMed 26791407 (cited by Labcorp Genetics (formerly Invitae), Labcorp).